The following is an entry in ClinVar:

NM_002458.3(MUC5B):c.845C>A (p.Ala282Glu)

Gene: MUC5B (mucin 5B, oligomeric mucus/gel-forming; plus strand). Cytogenetic location: 11p15.5.
Variant type: single nucleotide variant.
Coding change: c.845C>A on transcript NM_002458.3 (MANE Select); coding-DNA position 845, C replaced by A.
Protein change: p.Ala282Glu; replaces alanine 282 with glutamic acid.
Molecular consequence: missense variant.
Genome position (GRCh38, 1-based): chr11:1,228,634, C>A. VCF-style: chr11-1228634-C-A. GRCh37 (hg19) VCF-style: chr11-1249864-C-A.
Other names: short protein forms A282E.
Identifiers: ClinVar variation 504730 (VCV000504730.6), dbSNP rs371465585, ClinGen allele CA5804106.
Genomic context (GRCh38, chr11:1,228,634, plus strand): 5'-GCCACCGCACCCTGCTGGGGCCGGCCTTTGCGGAGTGCCACGCACTGGTGGACAGCACTG[C>A]GTACCTGGCCGCCTGCGCCCAGGACCTGTGCCGCTGCCCCACCTGCCCGTGTGCCACCTT-3'
Protein context (NP_002449.2, residues 272-292): AECHALVDST[Ala282Glu]YLAACAQDLC

ClinVar aggregate classification (germline): Conflicting classifications of pathogenicity. Review status: criteria provided, conflicting classifications (1 of 4 stars). 2 submissions from 2 submitters: Uncertain significance (1); Likely benign (1). Last evaluated 2024-02-27.

Allele frequency attached by ClinVar (database versions not stated): TOPMed 0.00035; ESP Exome Variant Server 0.00037.
gnomAD v4.1: 857 of 1,534,066 alleles (0.056%); highest among the groups gnomAD compares: Non-Finnish European, 0.071%; 1 homozygote.

Submissions (2):

Ambry Genetics
Classification: Uncertain significance. Last evaluated: 2024-02-27. Review status: criteria provided, single submitter. Criteria: Ambry Variant Classification Scheme 2023. Collection method: clinical testing. Allele origin: germline.

Laboratory for Molecular Medicine, Mass General Brigham Personalized Medicine
Classification: Likely benign. Last evaluated: 2018-04-19. Review status: criteria provided, single submitter. Criteria: LMM Criteria. Collection method: clinical testing. Allele origin: germline. Observed: 2 variant alleles.
Comment: This varia nt has been identified in 31/65026 European chromosomes by the Genome Aggregatio n Database (gnomAD; dbSNP rs371465585). Alani ne (Ala) at position 282 is not conserved in mammals or evolutionarily distant s pecies and 6 species, including 2 mammals carry a glutamic acid (Glu) at this po sition, supporting that this change may be tolerated. In summary, the p.Ala282Gl u variant is likely benign based. ACMG/AMP Criteria applied: BP4, BP5.